The following is an entry in ClinVar:

ClinVar aggregate classification (germline): Likely benign. Review status: criteria provided, multiple submitters, no conflicts (2 of 4 stars). 3 submissions from 3 submitters: Likely benign (3). Last evaluated 2025-06-25.

Conditions:
ADAMTS2-related disorder. Also called: ADAMTS2-related condition.
Ehlers-Danlos syndrome, dermatosparaxis type. Also called: EDS VIIC; Ehlers-Danlos syndrome, type VII, autosomal recessive; Dermatosparaxis. Identifiers: Orphanet 1901, MedGen C2700425, MONDO:0009161, OMIM 225410.

Allele frequency attached by ClinVar (database versions not stated): gnomAD exomes below 0.00001 and 0.00003; gnomAD 0.00001; TOPMed 0.00002.
gnomAD v4.1: 46 of 1,602,208 alleles (0.0029%); highest among the groups gnomAD compares: Non-Finnish European, 0.0037%; no homozygotes.

Submissions (3):

Labcorp Genetics (formerly Invitae), Labcorp
Classification: Likely benign for Ehlers-Danlos syndrome, dermatosparaxis type. Last evaluated: 2025-06-25. Review status: criteria provided, single submitter. Criteria: Invitae Variant Classification Sherloc (09022015). Collection method: clinical testing. Allele origin: germline.

PreventionGenetics, part of Exact Sciences
Classification: Likely benign for ADAMTS2-related condition. Last evaluated: 2025-01-30. Review status: criteria provided, single submitter. Criteria: ACMG Guidelines, 2015. Collection method: clinical testing. Allele origin: germline.
Comment: This variant is classified as likely benign based on ACMG/AMP sequence variant interpretation guidelines (Richards et al. 2015 PMID: 25741868, with internal and published modifications).

Mayo Clinic Laboratories, Mayo Clinic
Classification: Likely benign. Last evaluated: 2024-12-24. Review status: criteria provided, single submitter. Criteria: ACMG Guidelines, 2015. Collection method: clinical testing. Allele origin: germline. Observed: 2 variant alleles.
Comment: BP4, BP7

NM_014244.5(ADAMTS2):c.1377C>T (p.Tyr459=)

Gene: ADAMTS2 (ADAM metallopeptidase with thrombospondin type 1 motif 2; minus strand). Cytogenetic location: 5q35.3.
Variant type: single nucleotide variant.
Coding change: c.1377C>T on transcript NM_014244.5 (MANE Select); coding-DNA position 1377, C replaced by T.
Protein change: p.Tyr459=; no amino-acid change (tyrosine 459 retained).
Molecular consequence: synonymous variant.
Genome position (GRCh38, 1-based): chr5:179,154,054, G>A on the plus strand (C>T on the coding strand, the complement: ADAMTS2 is on the minus strand). VCF-style: chr5-179154054-G-A. GRCh37 (hg19) VCF-style: chr5-178581055-G-A.
Other names: p.Tyr459=; c.1377C>T, p.Tyr459= (NM_021599.4); c.1377C>T (NM_014244.4).
Identifiers: ClinVar variation 1116476 (VCV001116476.11), dbSNP rs933381749, ClinGen allele CA133050655.